The following is an entry in ClinVar:

NM_001244008.2(KIF1A):c.720+5G>A

Gene: KIF1A (kinesin family member 1A; minus strand). Cytogenetic location: 2q37.3.
Variant type: single nucleotide variant.
Coding change: c.720+5G>A on transcript NM_001244008.2 (MANE Select); 5 bases into the intron after coding-DNA position 720, G replaced by A.
Molecular consequence: intron variant.
Genome position (GRCh38, 1-based): chr2:240,784,984, C>T on the plus strand (G>A on the coding strand, the complement: KIF1A is on the minus strand). VCF-style: chr2-240784984-C-T. GRCh37 (hg19) VCF-style: chr2-241724401-C-T.
Other names: c.720+5G>A (NM_001244008.1, NM_001379653.1, NM_001379650.1 and 21 more transcripts).
Identifiers: ClinVar variation 588718 (VCV000588718.55), dbSNP rs377502239, ClinGen allele CA2208694.

ClinVar aggregate classification (germline): Conflicting classifications of pathogenicity. Review status: criteria provided, conflicting classifications (1 of 4 stars). 5 submissions from 5 submitters: Uncertain significance (4); Likely benign (1). Last evaluated 2025-09-27.

Conditions:
Neuropathy, hereditary sensory, type 2C. Also called: KIF1A-Related HSAN2 (HSAN2C); Hereditary sensory and autonomic neuropathy type IIC. Identifiers: Orphanet 970, MedGen C3280168, MONDO:0013634, OMIM 614213.
Intellectual disability, autosomal dominant 9 (NESCAVS). Also called: KIF1A-Related Neurodevelopmental Disorder; NESCAV SYNDROME. Identifiers: Orphanet 662367, MedGen C5393830, MONDO:0013656, OMIM 614255.
Hereditary spastic paraplegia 30. Identifiers: Orphanet 101010, MedGen C5235139, MONDO:0012476.
KIF1A-related disorder. Also called: KIF1A-related disorders; KIF1A-related condition.
Inborn genetic diseases. Identifiers: MedGen C0950123, MeSH D030342.

Allele frequency attached by ClinVar (database versions not stated): ESP Exome Variant Server 0.00008; TOPMed 0.00018; gnomAD 0.00029; 1000 Genomes Project 30x 0.00078; 1000 Genomes Project 0.00100.
gnomAD v4.1: 64 of 1,611,284 alleles (0.004%); highest among the groups gnomAD compares: African/African-American, 0.08%; no homozygotes.

Submissions (5):

Labcorp Genetics (formerly Invitae), Labcorp
Classification: Uncertain significance for Hereditary spastic paraplegia 30; Neuropathy, hereditary sensory, type 2C; Intellectual disability, autosomal dominant 9. Last evaluated: 2025-09-27. Review status: criteria provided, single submitter. Criteria: Invitae Variant Classification Sherloc (09022015). Collection method: clinical testing. Allele origin: germline.
Comment: This sequence change falls in intron 6 of the KIF1A gene. It does not directly change the encoded amino acid sequence of the KIF1A protein. It affects a nucleotide within the consensus splice site. This variant is present in population databases (rs377502239, gnomAD 0.08%). This variant has not been reported in the literature in individuals affected with KIF1A-related conditions. ClinVar contains an entry for this variant (Variation ID: 588718). Variants that disrupt the consensus splice site are a relatively common cause of aberrant splicing (PMID: 17576681, 9536098). Algorithms developed to predict the effect of sequence changes on RNA splicing suggest that this variant is not likely to affect RNA splicing. In summary, the available evidence is currently insufficient to determine the role of this variant in disease. Therefore, it has been classified as a Variant of Uncertain Significance.

PreventionGenetics, part of Exact Sciences
Classification: Likely benign for KIF1A-related condition. Last evaluated: 2025-07-23. Review status: criteria provided, single submitter. Criteria: ACMG Guidelines, 2015. Collection method: clinical testing. Allele origin: germline.
Comment: This variant is classified as likely benign based on ACMG/AMP sequence variant interpretation guidelines (Richards et al. 2015 PMID: 25741868, with internal and published modifications).

Blueprint Genetics
Classification: Uncertain significance. Last evaluated: 2024-10-24. Review status: criteria provided, single submitter. Criteria: ACMG Guidelines, 2015. Collection method: clinical testing. Allele origin: germline.

GeneDx
Classification: Uncertain significance. Last evaluated: 2021-01-22. Review status: criteria provided, single submitter. Criteria: GeneDx Variant Classification Process June 2021. Collection method: clinical testing. Allele origin: germline. Affected: yes.
Comment: In-silico analysis, which includes splice predictors and evolutionary conservation, is inconclusive as to whether the variant alters gene splicing. In the absence of RNA/functional studies, the actual effect of this sequence change is unknown.; Has not been previously published as pathogenic or benign to our knowledge

Ambry Genetics
Classification: Uncertain significance for Inborn genetic diseases. Last evaluated: 2017-01-17. Review status: criteria provided, single submitter. Criteria: Ambry Variant Classification Scheme 2023. Collection method: clinical testing. Allele origin: germline.
Comment: The c.720+5G>A intronic variant results from a G to A substitution 5 nucleotides after coding exon 6 in the KIF1A gene. This nucleotide position is highly conserved in available vertebrate species. Using the BDGP and ESEfinder splice site prediction tools, this alteration is predicted to weaken the efficiency of the native splice donor site; however, direct evidence is unavailable. Since supporting evidence is limited at this time, the clinical significance of this alteration remains unclear.

Literature cited by the submitters: PubMed 17576681 (cited by Labcorp Genetics (formerly Invitae), Labcorp); PubMed 9536098 (cited by Labcorp Genetics (formerly Invitae), Labcorp).